The following is an entry in ClinVar:

ClinVar aggregate classification (germline): Pathogenic (1 of 4 stars; one submission).

Submission:

GeneDx
Classification: Pathogenic. Last evaluated: 2018-11-08. Review status: criteria provided, single submitter. Criteria: GeneDx Variant Classification (06012015). Collection method: clinical testing. Allele origin: germline. Affected: yes.
Comment: The L2178X nonsense variant in the NF1 gene is predicted to cause loss of normal protein function either through protein truncation or nonsense-mediated mRNA decay. The L2178X variant is not observed in large population cohorts (Lek et al., 2016), and has not been previously published to our knowledge.

NM_001042492.3(NF1):c.6596T>A (p.Leu2199Ter)

Gene: NF1 (neurofibromin 1; plus strand). Cytogenetic location: 17q11.2.
Variant type: single nucleotide variant.
Coding change: c.6596T>A on transcript NM_001042492.3 (MANE Select); coding-DNA position 6596, T replaced by A.
Protein change: p.Leu2199Ter; replaces leucine 2199 with a stop codon.
Molecular consequence: nonsense.
Genome position (GRCh38, 1-based): chr17:31,337,536, T>A. VCF-style: chr17-31337536-T-A. GRCh37 (hg19) VCF-style: chr17-29664554-T-A.
Other names: c.6533T>A, p.Leu2178Ter (NM_000267.4); short protein forms L2178*, L2199*.
Identifiers: ClinVar variation 816958 (VCV000816958.1), dbSNP rs1597843979, ClinGen allele CA399013357.